The following is an entry in ClinVar:

ClinVar aggregate classification (germline): Benign/Likely benign. Review status: criteria provided, multiple submitters, no conflicts (2 of 4 stars). 4 submissions from 4 submitters: Benign (1); Likely benign (3). Last evaluated 2025-04-10.

Conditions:
Hereditary cancer-predisposing syndrome. Also called: Hereditary Cancer Syndrome; Hereditary neoplastic syndrome; Neoplastic Syndromes, Hereditary; Tumor predisposition. Identifiers: Orphanet 140162, MedGen C0027672, MeSH D009386, MONDO:0015356.
Familial cancer of breast. Also called: hereditary breast carcinoma; BREAST CANCER, FAMILIAL; Hereditary breast cancer. Identifiers: Orphanet 227535, MedGen C0346153, MONDO:0016419, OMIM 114480. Disease mechanism: loss of function.
Ataxia-telangiectasia syndrome (AT). Also called: Ataxia-telangiectasia, complementation group E; LOUIS-BAR SYNDROME; Cerebello-oculocutaneous telangiectasia; Immunodeficiency with ataxia telangiectasia; Ataxia-telangiectasia, complementation group D; AT, COMPLEMENTATION GROUP C. Identifiers: Orphanet 100, MedGen C0004135, MONDO:0008840, OMIM 208900.

Submissions (4):

Ambry Genetics
Classification: Likely benign for Hereditary cancer-predisposing syndrome. Last evaluated: 2025-04-10. Review status: criteria provided, single submitter. Criteria: Ambry Variant Classification Scheme 2023. Collection method: clinical testing. Allele origin: germline.

Myriad Genetics, Inc.
Classification: Benign for Familial cancer of breast. Last evaluated: 2024-04-18. Review status: criteria provided, single submitter. Criteria: Myriad Autosomal Dominant, Autosomal Recessive and X-Linked Classification Criteria (2023). Collection method: clinical testing. Allele origin: unknown.
Comment: This variant is considered benign. This variant is a silent/synonymous amino acid change and it is not expected to impact splicing.

Labcorp Genetics (formerly Invitae), Labcorp
Classification: Likely benign for Ataxia-telangiectasia syndrome. Last evaluated: 2024-01-14. Review status: criteria provided, single submitter. Criteria: Invitae Variant Classification Sherloc (09022015). Collection method: clinical testing. Allele origin: germline.

Color Diagnostics, LLC DBA Color Health
Classification: Likely benign for Hereditary cancer-predisposing syndrome. Last evaluated: 2019-08-19. Review status: criteria provided, single submitter. Criteria: ACMG Guidelines, 2015. Collection method: clinical testing. Allele origin: germline.

NM_000051.4(ATM):c.303C>G (p.Val101=)

Gene: ATM (ATM serine/threonine kinase; plus strand). Cytogenetic location: 11q22.3.
Variant type: single nucleotide variant.
Coding change: c.303C>G on transcript NM_000051.4 (MANE Select); coding-DNA position 303, C replaced by G.
Protein change: p.Val101=; no amino-acid change (valine 101 retained).
Molecular consequence: synonymous variant.
Genome position (GRCh38, 1-based): chr11:108,229,295, C>G. VCF-style: chr11-108229295-C-G. GRCh37 (hg19) VCF-style: chr11-108100022-C-G.
Other names: c.303C>G, p.Val101= (NM_001351834.2, NM_001351835.2, NM_001351836.2).
Identifiers: ClinVar variation 925082 (VCV000925082.13), dbSNP rs1555055291, ClinGen allele CA476668276.